The following is an entry in ClinVar:

ClinVar aggregate classification (germline): Uncertain significance (1 of 4 stars; one submission).

gnomAD v4.1: 2 of 1,613,398 alleles (0.00012%); highest among the groups gnomAD compares: Admixed American, 0.0033%; no homozygotes.

Submission:

Labcorp Genetics (formerly Invitae), Labcorp
Classification: Uncertain significance. Last evaluated: 2023-04-09. Review status: criteria provided, single submitter. Criteria: Invitae Variant Classification Sherloc (09022015). Collection method: clinical testing. Allele origin: germline.
Comment: In summary, the available evidence is currently insufficient to determine the role of this variant in disease. Therefore, it has been classified as a Variant of Uncertain Significance. Advanced modeling of protein sequence and biophysical properties (such as structural, functional, and spatial information, amino acid conservation, physicochemical variation, residue mobility, and thermodynamic stability) performed at Invitae indicates that this missense variant is not expected to disrupt LONP1 protein function. This variant has not been reported in the literature in individuals affected with LONP1-related conditions. This variant is not present in population databases (gnomAD no frequency). This sequence change replaces asparagine, which is neutral and polar, with serine, which is neutral and polar, at codon 616 of the LONP1 protein (p.Asn616Ser).

NM_004793.4(LONP1):c.1847A>G (p.Asn616Ser)

Gene: LONP1 (lon peptidase 1, mitochondrial; minus strand). Cytogenetic location: 19p13.3.
Variant type: single nucleotide variant.
Coding change: c.1847A>G on transcript NM_004793.4 (MANE Select); coding-DNA position 1847, A replaced by G.
Protein change: p.Asn616Ser; replaces asparagine 616 with serine.
Molecular consequence: missense variant. On other transcripts: non-coding transcript variant (1).
Genome position (GRCh38, 1-based): chr19:5,696,298, T>C on the plus strand (A>G on the coding strand, the complement: LONP1 is on the minus strand). VCF-style: chr19-5696298-T-C. GRCh37 (hg19) VCF-style: chr19-5696309-T-C.
Other names: c.1655A>G, p.Asn552Ser (NM_001276479.2); c.1259A>G, p.Asn420Ser (NM_001276480.1); short protein forms N552S, N420S, N616S.
Identifiers: ClinVar variation 2920367 (VCV002920367.3), dbSNP rs200839886, ClinGen allele CA403529073.
Genomic context (GRCh38, chr19:5,696,298, plus strand): 5'-AGGCCCCCCACCTTGGACAAGTCCACGGGCACGTCCAGGTAGTGGTCCAGGAAGTTGGCA[T>C]TCTGCTCTGGGTCCAGCAGCTCCAGCAGTGCCGACGACGGGTCCCCCTGGTAGCCTCGGC-3'
Protein context (NP_004784.2, residues 606-626): ALLELLDPEQ[Asn616Ser]ANFLDHYLDV